The following is an entry in ClinVar:

NM_001003800.2(BICD2):c.1053G>T (p.Gln351His)

Gene: BICD2 (BICD cargo adaptor 2; minus strand). Cytogenetic location: 9q22.31.
Variant type: single nucleotide variant.
Coding change: c.1053G>T on transcript NM_001003800.2 (MANE Select); coding-DNA position 1053, G replaced by T.
Protein change: p.Gln351His; replaces glutamine 351 with histidine.
Molecular consequence: missense variant.
Genome position (GRCh38, 1-based): chr9:92,720,309, C>A on the plus strand (G>T on the coding strand, the complement: BICD2 is on the minus strand). VCF-style: chr9-92720309-C-A. GRCh37 (hg19) VCF-style: chr9-95482591-C-A.
Other names: c.1053G>T, p.Gln351His (NM_015250.4); short protein forms Q351H.
Identifiers: ClinVar variation 1441995 (VCV001441995.8), dbSNP rs2131502057, ClinGen allele CA374042305.
Genomic context (GRCh38, chr9:92,720,309, plus strand): 5'-CTGCAGACCTGGAGTGGGGACAGCGTGCCGAAGGCCCCACTGCCTGCTCACCTGCATCAG[C>A]TGCTGCTTCAGCTTCTGGATCTCAGAGATGTTGAGCTCACTGAGTAGGTCGGAGACGAGG-3'
Protein context (NP_001003800.1, residues 341-361): NISEIQKLKQ[Gln351His]LMQMEREKAG

ClinVar aggregate classification (germline): Uncertain significance (1 of 4 stars; one submission).

Conditions:
Autosomal dominant childhood-onset proximal spinal muscular atrophy with contractures (SMALED2A). Also called: SPINAL MUSCULAR ATROPHY, LOWER EXTREMITY-PREDOMINANT, 2A, CHILDHOOD ONSET, AUTOSOMAL DOMINANT; Spinal muscular atrophy, lower extremity-predominant, 2A, autosomal dominant. Identifiers: Orphanet 363447, Orphanet 363454, MedGen C4747715, MONDO:0014121, OMIM 615290.

Submission:

Labcorp Genetics (formerly Invitae), Labcorp
Classification: Uncertain significance for Autosomal dominant childhood-onset proximal spinal muscular atrophy with contractures. Last evaluated: 2021-06-01. Review status: criteria provided, single submitter. Criteria: Invitae Variant Classification Sherloc (09022015). Collection method: clinical testing. Allele origin: germline.
Comment: This sequence change replaces glutamine with histidine at codon 351 of the BICD2 protein (p.Gln351His). The glutamine residue is highly conserved and there is a small physicochemical difference between glutamine and histidine. This variant is not present in population databases (ExAC no frequency). This variant has not been reported in the literature in individuals with BICD2-related conditions. Advanced modeling of protein sequence and biophysical properties (such as structural, functional, and spatial information, amino acid conservation, physicochemical variation, residue mobility, and thermodynamic stability) performed at Invitae indicates that this missense variant is expected to disrupt BICD2 protein function. In summary, the available evidence is currently insufficient to determine the role of this variant in disease. Therefore, it has been classified as a Variant of Uncertain Significance.